The following is an entry in ClinVar:

ClinVar aggregate classification (germline): Likely benign. Review status: criteria provided, single submitter (1 of 4 stars). 2 submissions from 2 submitters: Likely benign (1). 1 of the submissions does not count toward it. Last evaluated 2025-11-25.

Conditions:
PCNT-related disorder. Also called: PCNT-related condition.

Allele frequency attached by ClinVar (database versions not stated): TOPMed 0.00009; gnomAD exomes 0.00001; ExAC 0.00001; gnomAD 0.00003.
gnomAD v4.1: 14 of 1,613,778 alleles (0.00087%); highest among the groups gnomAD compares: Admixed American, 0.01%; no homozygotes.

Submissions (2):

Labcorp Genetics (formerly Invitae), Labcorp
Classification: Likely benign. Last evaluated: 2025-11-25. Review status: criteria provided, single submitter. Criteria: Invitae Variant Classification Sherloc (09022015). Collection method: clinical testing. Allele origin: germline.

PreventionGenetics, part of Exact Sciences
Classification: Likely benign for PCNT-related condition. Last evaluated: 2019-11-04. Review status: no assertion criteria provided. Collection method: clinical testing. Allele origin: germline. Not counted in ClinVar's aggregate classification.
Comment: This variant is classified as likely benign based on ACMG/AMP sequence variant interpretation guidelines (Richards et al. 2015 PMID: 25741868, with internal and published modifications).

NM_006031.6(PCNT):c.9111A>G (p.Ala3037=)

Gene: PCNT (pericentrin; plus strand). Cytogenetic location: 21q22.3.
Variant type: single nucleotide variant.
Coding change: c.9111A>G on transcript NM_006031.6 (MANE Select); coding-DNA position 9111, A replaced by G.
Protein change: p.Ala3037=; no amino-acid change (alanine 3037 retained).
Molecular consequence: synonymous variant.
Genome position (GRCh38, 1-based): chr21:46,438,175, A>G. VCF-style: chr21-46438175-A-G. GRCh37 (hg19) VCF-style: chr21-47858088-A-G.
Other names: c.9111A>G (NM_006031.5); c.8520A>G, p.Ala2840= (NM_001315529.2).
Identifiers: ClinVar variation 2731632 (VCV002731632.5), dbSNP rs765362918, ClinGen allele CA10081219.